The following is an entry in ClinVar:

ClinVar aggregate classification (germline): Uncertain significance (1 of 4 stars; one submission).

Submission:

Labcorp Genetics (formerly Invitae), Labcorp
Classification: Uncertain significance. Last evaluated: 2025-09-22. Review status: criteria provided, single submitter. Criteria: Invitae Variant Classification Sherloc (09022015). Collection method: clinical testing. Allele origin: germline.
Comment: This sequence change replaces phenylalanine, which is neutral and non-polar, with leucine, which is neutral and non-polar, at codon 1237 of the ERBB2 protein (p.Phe1237Leu). This variant is not present in population databases (gnomAD no frequency). This variant has not been reported in the literature in individuals affected with ERBB2-related conditions. An algorithm developed to predict the effect of missense changes on protein structure and function (PolyPhen-2) suggests that this variant is likely to be disruptive. In summary, the available evidence is currently insufficient to determine the role of this variant in disease. Therefore, it has been classified as a Variant of Uncertain Significance.

NM_004448.4(ERBB2):c.3711C>A (p.Phe1237Leu)

Gene: ERBB2 (erb-b2 receptor tyrosine kinase 2; plus strand). Cytogenetic location: 17q12.
Variant type: single nucleotide variant.
Coding change: c.3711C>A on transcript NM_004448.4 (MANE Select); coding-DNA position 3711, C replaced by A.
Protein change: p.Phe1237Leu; replaces phenylalanine 1237 with leucine.
Molecular consequence: missense variant. On other transcripts: 3 prime UTR variant (2), non-coding transcript variant (1).
Genome position (GRCh38, 1-based): chr17:39,727,987, C>A. VCF-style: chr17-39727987-C-A. GRCh37 (hg19) VCF-style: chr17-37884240-C-A.
Other names: c.3675C>A, p.Phe1225Leu (NM_001382792.1); c.3669C>A, p.Phe1223Leu (NM_001382793.1, NM_001382794.1); c.3663C>A, p.Phe1221Leu (NM_001382795.1); c.3624C>A, p.Phe1208Leu (NM_001382796.1); c.3612C>A, p.Phe1204Leu (NM_001382797.1); c.3555C>A, p.Phe1185Leu (NM_001382798.1); c.3531C>A, p.Phe1177Leu (NM_001382799.1); c.3525C>A, p.Phe1175Leu (NM_001382800.1); and 16 more; short protein forms F1169L, F1177L, F1204L, F1237L, F1262L, F920L, F961L, F1151L.
Identifiers: ClinVar variation 4762453 (VCV004762453.1).